The following is an entry in ClinVar:

ClinVar aggregate classification (germline): Uncertain significance (1 of 4 stars; one submission).

Allele frequency attached by ClinVar (database versions not stated): TOPMed below 0.00001.

Submission:

Labcorp Genetics (formerly Invitae), Labcorp
Classification: Uncertain significance. Last evaluated: 2022-07-12. Review status: criteria provided, single submitter. Criteria: Invitae Variant Classification Sherloc (09022015). Collection method: clinical testing. Allele origin: germline.
Comment: This sequence change replaces glutamic acid, which is acidic and polar, with lysine, which is basic and polar, at codon 367 of the ADAMTSL4 protein (p.Glu367Lys). This variant is not present in population databases (gnomAD no frequency). This variant has not been reported in the literature in individuals affected with ADAMTSL4-related conditions. Algorithms developed to predict the effect of missense changes on protein structure and function (SIFT, PolyPhen-2, Align-GVGD) all suggest that this variant is likely to be disruptive. In summary, the available evidence is currently insufficient to determine the role of this variant in disease. Therefore, it has been classified as a Variant of Uncertain Significance.

NM_019032.6(ADAMTSL4):c.1099G>A (p.Glu367Lys)

Genes: ADAMTSL4 (ADAMTS like 4; plus strand), ADAMTSL4-AS2 (ADAMTSL4 antisense RNA 2; minus strand). Cytogenetic location: 1q21.2.
Variant type: single nucleotide variant.
Coding change: c.1099G>A on transcript NM_019032.6 (MANE Select); coding-DNA position 1099, G replaced by A.
Protein change: p.Glu367Lys; replaces glutamic acid 367 with lysine.
Molecular consequence: missense variant.
Genome position (GRCh38, 1-based): chr1:150,554,090, G>A. VCF-style: chr1-150554090-G-A. GRCh37 (hg19) VCF-style: chr1-150526566-G-A.
Other names: c.1099G>A, p.Glu367Lys (NM_001288607.2, NM_001288608.2, NM_001378596.1 and 1 more transcripts); short protein forms E367K.
Identifiers: ClinVar variation 1943825 (VCV001943825.5), dbSNP rs1671743537, ClinGen allele CA342303813.